The following is an entry in ClinVar:

ClinVar aggregate classification (germline): Uncertain significance. Review status: criteria provided, multiple submitters, no conflicts (2 of 4 stars). 5 submissions from 5 submitters: Uncertain significance (5). Last evaluated 2026-04-28.

Conditions:
PDX1-related disorder. Also called: PDX1-related condition; PDX1-related disorders.
Maturity-onset diabetes of the young type 4 (MODY4). Also called: MODY, type IV; Maturity-onset diabetes of the young, type IV. Identifiers: Orphanet 552, MedGen C1833382, MONDO:0011667, OMIM 606392.

Allele frequency attached by ClinVar (database versions not stated): gnomAD exomes below 0.00001.
gnomAD v4.1: 1 of 1,613,294 alleles (0.000062%); highest among the groups gnomAD compares: Non-Finnish European, 0.000085%; no homozygotes.

Submissions (5):

PreventionGenetics, part of Exact Sciences
Classification: Uncertain significance for PDX1-related condition. Last evaluated: 2026-04-28. Review status: criteria provided, single submitter. Criteria: ACMG Guidelines, 2015. Collection method: clinical testing. Allele origin: germline.
Comment: The PDX1 c.593G>T variant is predicted to result in the amino acid substitution p.Arg198Leu. To our knowledge, this variant has not been reported in the literature or in a large population database (gnomAD), indicating this variant is rare. At this time, the clinical significance of this variant is uncertain due to the absence of conclusive functional and genetic evidence.

Women's Health and Genetics/Laboratory Corporation of America, LabCorp
Classification: Uncertain significance. Last evaluated: 2025-07-29. Review status: criteria provided, single submitter. Criteria: LabCorp Variant Classification Summary - May 2015. Collection method: clinical testing. Allele origin: germline.
Comment: Variant summary: PDX1 c.593G>T (p.Arg198Leu) results in a non-conservative amino acid change in the encoded protein sequence. Algorithms developed to predict the effect of missense changes on protein structure and function all suggest that this variant is likely to be disruptive. The variant was absent in 251288 control chromosomes (gnomAD). The available data on variant occurrences in the general population are insufficient to allow any conclusion about variant significance. To our knowledge, no occurrence of c.593G>T in individuals affected with Pancreatic Agenesis 1 and no experimental evidence demonstrating its impact on protein function have been reported. ClinVar contains an entry for this variant (Variation ID: 1723209). Based on the evidence outlined above, the variant was classified as uncertain significance.

GeneDx
Classification: Uncertain significance. Last evaluated: 2024-11-19. Review status: criteria provided, single submitter. Criteria: GeneDx Variant Classification Process June 2021. Collection method: clinical testing. Allele origin: germline. Affected: yes.
Comment: Not observed at significant frequency in large population cohorts (gnomAD); In silico analysis supports that this missense variant has a deleterious effect on protein structure/function; Has not been previously published as pathogenic or benign to our knowledge

Institute of Medical Genetics and Applied Genomics, University Hospital Tübingen
Classification: Uncertain significance for Maturity-onset diabetes of the young type 4. Last evaluated: 2022-11-14. Review status: criteria provided, single submitter. Criteria: ACMG Guidelines, 2015. Collection method: clinical testing. Allele origin: germline. Inheritance: Autosomal dominant inheritance. Affected: yes.

Labcorp Genetics (formerly Invitae), Labcorp
Classification: Uncertain significance. Last evaluated: 2022-08-08. Review status: criteria provided, single submitter. Criteria: Invitae Variant Classification Sherloc (09022015). Collection method: clinical testing. Allele origin: germline.
Comment: In summary, the available evidence is currently insufficient to determine the role of this variant in disease. Therefore, it has been classified as a Variant of Uncertain Significance. Advanced modeling of protein sequence and biophysical properties (such as structural, functional, and spatial information, amino acid conservation, physicochemical variation, residue mobility, and thermodynamic stability) performed at Invitae indicates that this missense variant is expected to disrupt PDX1 protein function. This variant has not been reported in the literature in individuals affected with PDX1-related conditions. This variant is not present in population databases (gnomAD no frequency). This sequence change replaces arginine, which is basic and polar, with leucine, which is neutral and non-polar, at codon 198 of the PDX1 protein (p.Arg198Leu).

NM_000209.4(PDX1):c.593G>T (p.Arg198Leu)

Gene: PDX1 (pancreatic and duodenal homeobox 1; plus strand). Cytogenetic location: 13q12.2.
Variant type: single nucleotide variant.
Coding change: c.593G>T on transcript NM_000209.4 (MANE Select); coding-DNA position 593, G replaced by T.
Protein change: p.Arg198Leu; replaces arginine 198 with leucine.
Molecular consequence: missense variant.
Genome position (GRCh38, 1-based): chr13:27,924,442, G>T. VCF-style: chr13-27924442-G-T. GRCh37 (hg19) VCF-style: chr13-28498579-G-T.
Other names: c.593G>T (NM_000209.3); short protein forms R198L.
Identifiers: ClinVar variation 1723209 (VCV001723209.9), dbSNP rs1957810066, ClinGen allele CA387645952.